The following is an entry in ClinVar:

ClinVar aggregate classification (germline): Likely benign (0 of 4 stars; one submission).

Conditions:
EGFR-related disorder. Also called: EGFR-related condition.

Allele frequency attached by ClinVar (database versions not stated): gnomAD exomes below 0.00001; ExAC 0.00001; gnomAD 0.00002; TOPMed 0.00002.
gnomAD v4.1: 4 of 1,614,014 alleles (0.00025%); highest among the groups gnomAD compares: African/African-American, 0.0013%; no homozygotes.

Submission:

PreventionGenetics, part of Exact Sciences
Classification: Likely benign for EGFR-related condition. Last evaluated: 2023-07-28. Review status: no assertion criteria provided. Collection method: clinical testing. Allele origin: germline.
Comment: This variant is classified as likely benign based on ACMG/AMP sequence variant interpretation guidelines (Richards et al. 2015 PMID: 25741868, with internal and published modifications).

NM_005228.5(EGFR):c.1881-715G>A

Gene: EGFR (epidermal growth factor receptor; plus strand). Cytogenetic location: 7p11.2.
Variant type: single nucleotide variant.
Coding change: c.1881-715G>A on transcript NM_005228.5 (MANE Select); 715 bases into the intron before coding-DNA position 1881, G replaced by A.
Molecular consequence: intron variant. On other transcripts: synonymous variant (1).
Genome position (GRCh38, 1-based): chr7:55,170,460, G>A. VCF-style: chr7-55170460-G-A. GRCh37 (hg19) VCF-style: chr7-55238153-G-A.
Other names: c.2034G>A, p.Glu678= (NM_201284.2); c.1746-715G>A (NM_001346899.2, NM_001346897.2); c.1080-715G>A (NM_001346941.2); c.1881-715G>A (NM_001346898.2); c.1722-715G>A (NM_001346900.2).
Identifiers: ClinVar variation 3030173 (VCV003030173.2), dbSNP rs746105512, ClinGen allele CA4265808.